The following is an entry in ClinVar:

NM_000540.3(RYR1):c.2172C>G (p.His724Gln)

Gene: RYR1 (ryanodine receptor 1; plus strand). Cytogenetic location: 19q13.2.
Variant type: single nucleotide variant.
Coding change: c.2172C>G on transcript NM_000540.3 (MANE Select); coding-DNA position 2172, C replaced by G.
Protein change: p.His724Gln; replaces histidine 724 with glutamine.
Molecular consequence: missense variant.
Genome position (GRCh38, 1-based): chr19:38,459,150, C>G. VCF-style: chr19-38459150-C-G. GRCh37 (hg19) VCF-style: chr19-38949790-C-G.
Other names: c.2172C>G, p.His724Gln (NM_001042723.2); short protein forms H724Q.
Identifiers: ClinVar variation 3391354 (VCV003391354.1).
Genomic context (GRCh38, chr19:38,459,150, plus strand): 5'-TATCATTGGTTCTGTGGGACCTGTGACGTCTGACCCATCTCTGGTGACTGATGCAGGACA[C>G]GTGGCACGCCCAGTGACTTCCCCAGGGCAGCACCTCCTGGCCCCTGAAGACGTGATCAGC-3'
Protein context (NP_000531.2, residues 714-734): GFDGLHLWTG[His724Gln]VARPVTSPGQ

ClinVar aggregate classification (germline): Uncertain significance (1 of 4 stars; one submission).

Conditions:
Central core myopathy (CMYO1A). Also called: CONGENITAL MYOPATHY 1A, AUTOSOMAL DOMINANT, WITH SUSCEPTIBILITY TO MALIGNANT HYPERTHERMIA; Central core disease; Myopathy, central fibrillar. Identifiers: Orphanet 597, MedGen C5830701, MONDO:0007294, OMIM 117000.

gnomAD v4.1: 11 of 1,613,114 alleles (0.00068%); highest among the groups gnomAD compares: South Asian, 0.012%; no homozygotes.

Submission:

Neuberg Centre For Genomic Medicine, NCGM
Classification: Uncertain significance for Central core myopathy. Last evaluated: 2023-06-22. Review status: criteria provided, single submitter. Criteria: ACMG Guidelines, 2015. Collection method: clinical testing. Allele origin: germline. Inheritance: Autosomal dominant inheritance. Affected: yes.
Comment: The observed missense c.2172C>Gp.His724Gln variant in RYR1 gene has not been reported previously as a pathogenic variant nor a benign variant, to our knowledge. The p.His724Gln variant is present with allele frequency of 0.0008 in gnomAD Exomes. This variant has not been submitted to the ClinVar database. Multiple lines of computational evidences Polyphen - Probably damaging, SIFT - Tolerated and MutationTaster - Polymorphism predict conflicting evidence on protein structure and function for this variant. The amino acid His at position 724 is changed to a Gln changing protein sequence and it might alter its composition and physico-chemical properties. For these reasons, this variant has been classified as a Variant of Uncertain Significance VUS.